The following is an entry in ClinVar:

NM_001854.4(COL11A1):c.3816+1G>T

Gene: COL11A1 (collagen type XI alpha 1 chain; minus strand). Cytogenetic location: 1p21.1.
Variant type: single nucleotide variant.
Coding change: c.3816+1G>T on transcript NM_001854.4 (MANE Select); the canonical splice donor site of the intron after coding-DNA position 3816, G replaced by T.
Molecular consequence: splice donor variant.
Genome position (GRCh38, 1-based): chr1:102,915,630, C>A on the plus strand (G>T on the coding strand, the complement: COL11A1 is on the minus strand). VCF-style: chr1-102915630-C-A. GRCh37 (hg19) VCF-style: chr1-103381186-C-A.
Other names: c.3699+1G>T (NM_001190709.2); c.3852+1G>T (NM_080629.3); c.3468+1G>T (NM_080630.4).
Identifiers: ClinVar variation 2833975 (VCV002833975.3), dbSNP rs398122828, ClinGen allele CA341162067.
Genomic context (GRCh38, chr1:102,915,630, plus strand): 5'-ATGCTGTAAAAGAAATTCCCAAACCAATAATACACTATGTTAACAATAACACAGTACTTA[C>A]GCCTACACCTGCTTCCCCAGGAGGCCCTGGGTTCCCTGCTTCTCCAGGTTCACCCTATAT-3'

ClinVar aggregate classification (germline): Pathogenic (1 of 4 stars; one submission).

Submission:

Labcorp Genetics (formerly Invitae), Labcorp
Classification: Pathogenic. Last evaluated: 2023-02-02. Review status: criteria provided, single submitter. Criteria: Invitae Variant Classification Sherloc (09022015). Collection method: clinical testing. Allele origin: germline.
Comment: This sequence change affects a donor splice site in intron 50 of the COL11A1 gene. RNA analysis indicates that disruption of this splice site induces altered splicing and likely results in a shortened protein product. This variant is not present in population databases (gnomAD no frequency). Disruption of this splice site has been observed in individual(s) with autosomal dominant Marshall or Stickler syndrome (PMID: 9529347, 19449424, 25240749). In at least one individual the variant was observed to be de novo. It has also been observed to segregate with disease in related individuals. Studies have shown that disruption of this splice site results in skipping of exon 50, but is expected to preserve the integrity of the reading-frame (PMID: 9529347). For these reasons, this variant has been classified as Pathogenic.

Literature cited by the submitters: PubMed 9529347; PubMed 19449424; PubMed 25240749.